The following is an entry in ClinVar:

NM_001367624.2(ZNF469):c.1151C>T (p.Pro384Leu)

Gene: ZNF469 (zinc finger protein 469; plus strand). Cytogenetic location: 16q24.2.
Variant type: single nucleotide variant.
Coding change: c.1151C>T on transcript NM_001367624.2 (MANE Select); coding-DNA position 1151, C replaced by T.
Protein change: p.Pro384Leu; replaces proline 384 with leucine.
Molecular consequence: missense variant.
Genome position (GRCh38, 1-based): chr16:88,428,621, C>T. VCF-style: chr16-88428621-C-T. GRCh37 (hg19) VCF-style: chr16-88495029-C-T.
Other names: NM_001127464.1:c.1151C>T; short protein forms P384L.
Identifiers: ClinVar variation 3232750 (VCV003232750.1), dbSNP rs1034758857, ClinGen allele CA286372452.

ClinVar aggregate classification (germline): Uncertain significance (1 of 4 stars; one submission).

Conditions:
Cardiovascular phenotype. Identifiers: MedGen CN230736.

Allele frequency attached by ClinVar (database versions not stated): gnomAD exomes below 0.00001; gnomAD 0.00001; TOPMed 0.00002.
gnomAD v4.1: 5 of 1,550,132 alleles (0.00032%); highest among the groups gnomAD compares: Non-Finnish European, 0.00035%; no homozygotes.

Submission:

Ambry Genetics
Classification: Uncertain significance for Cardiovascular phenotype. Last evaluated: 2024-01-01. Review status: criteria provided, single submitter. Criteria: Ambry Variant Classification Scheme 2023. Collection method: clinical testing. Allele origin: germline.
Comment: The p.P384L variant (also known as c.1151C>T), located in coding exon 1 of the ZNF469 gene, results from a C to T substitution at nucleotide position 1151. The proline at codon 384 is replaced by leucine, an amino acid with similar properties. This amino acid position is conserved. In addition, this alteration is predicted to be tolerated by in silico analysis. Since supporting evidence is limited at this time, the clinical significance of this alteration remains unclear.